The following is an entry in ClinVar:

NM_000553.6(WRN):c.522_523dup (p.Trp175fs)

Gene: WRN (WRN RecQ like helicase; plus strand). Cytogenetic location: 8p12.
Variant type: Duplication.
Coding change: c.522_523dup on transcript NM_000553.6 (MANE Select); coding-DNA positions 522 to 523, 2 bases duplicated (CT; older notation c.522_523dupCT).
Protein change: p.Trp175fs; shifts the reading frame from tryptophan 175.
Molecular consequence: frameshift variant.
Genome position (GRCh38, 1-based): chr8:31,067,050-31,067,051, CT duplicated. VCF-style (leftmost placement, unchanged base first): chr8-31067049-C-CCT. GRCh37 (hg19) VCF-style: chr8-30924565-C-CCT.
Other names: c.522_523dupCT (NM_000553.4); short protein forms W175fs.
Identifiers: ClinVar variation 528095 (VCV000528095.6), dbSNP rs1361270203, ClinGen allele CA658797075.
Genomic context (GRCh38, chr8:31,067,049, plus strand): 5'-AAACAGGAACTGATTTTACTGTGTTGCTTTTTCATCATTTCTAGCTGAAATGCACAGAGA[C>CCT]CTGGAGCCTTAACAGTCTGGTTAAACACCTCTTAGGTAAACAGCTCCTGAAAGACAAGTC-3'

ClinVar aggregate classification (germline): Pathogenic (1 of 4 stars; one submission).

Conditions:
Werner syndrome (WRN). Identifiers: Orphanet 902, MedGen C0043119, MONDO:0010196, OMIM 277700.

Allele frequency attached by ClinVar (database versions not stated): TOPMed below 0.00001.

Submission:

Labcorp Genetics (formerly Invitae), Labcorp
Classification: Pathogenic for Werner syndrome. Last evaluated: 2018-10-16. Review status: criteria provided, single submitter. Criteria: Invitae Variant Classification Sherloc (09022015). Collection method: clinical testing. Allele origin: germline.
Comment: This sequence change creates a premature translational stop signal (p.Trp175Serfs*12) in the WRN gene. It is expected to result in an absent or disrupted protein product. This variant is not present in population databases (ExAC no frequency). For these reasons, this variant has been classified as Pathogenic. Loss-of-function variants in WRN are known to be pathogenic (PMID: 16673358). This variant has not been reported in the literature in individuals with WRN-related disease.

Literature cited by the submitters: PubMed 16673358.